The following is an entry in ClinVar:

NM_206933.4(USH2A):c.14969-1G>C

Gene: USH2A (usherin; minus strand). Cytogenetic location: 1q41.
Variant type: single nucleotide variant.
Coding change: c.14969-1G>C on transcript NM_206933.4 (MANE Select); the canonical splice acceptor site of the intron before coding-DNA position 14969, G replaced by C.
Molecular consequence: splice acceptor variant.
Genome position (GRCh38, 1-based): chr1:215,639,239, C>G on the plus strand (G>C on the coding strand, the complement: USH2A is on the minus strand). VCF-style: chr1-215639239-C-G. GRCh37 (hg19) VCF-style: chr1-215812581-C-G.
Identifiers: ClinVar variation 3370413 (VCV003370413.1).

ClinVar aggregate classification (germline): Likely pathogenic (0 of 4 stars; one submission).

Conditions:
Retinitis pigmentosa 39 (RP39). Identifiers: Orphanet 791, MedGen C3151138, MONDO:0013436, OMIM 613809.
Usher syndrome type 2A. Also called: USHER SYNDROME, TYPE IIA; RETINAL DISEASE IN USHER SYNDROME TYPE IIA, MODIFIER OF. Identifiers: Orphanet 231178, Orphanet 886, MedGen C1848634, MONDO:0010169, OMIM 276901.

Submission:

Department of Genetics, Suzhou Beikang Medical Laboratory
Classification: Likely pathogenic for Retinitis pigmentosa 39; Usher syndrome type 2A. Last evaluated: 2024-10-31. Review status: no assertion criteria provided. Collection method: clinical testing. Allele origin: germline. Affected: no.
Comment: In summary, the currently available evidence indicates that the variant is Likely pathogenic, but additional data are needed to prove that conclusively. Therefore, this variant has been classified as Likely Pathogenic. Algorithms developed to predict the effect of sequence changes on RNA splicing suggest that this variant may disrupt the consensus splice site. This variant has not been reported in the literature in individuals affected with USH2A-related conditions. This variant is not present in population databases (ExAC no frequency). This sequence change affects a donor splice site in intron 68 of the USH2A gene. It is expected to disrupt RNA splicing. Variants that disrupt the donor or acceptor splice site typically lead to a loss of protein function (PMID: 16199547), and loss-of-function variants in USH2A are known to be pathogenic (PMID: 21841779, 26827111).